The following is an entry in ClinVar:

NM_020964.3(EPG5):c.6218del (p.Phe2073fs)

Gene: EPG5 (ectopic P-granules 5 autophagy tethering factor; minus strand). Cytogenetic location: 18q12.3.
Variant type: Deletion.
Coding change: c.6218del on transcript NM_020964.3 (MANE Select); coding-DNA position 6218, one base deleted (T; older notation c.6218delT).
Protein change: p.Phe2073fs; shifts the reading frame from phenylalanine 2073.
Molecular consequence: frameshift variant.
Genome position (GRCh38, 1-based): chr18:45,870,574, A deleted on the plus strand (T on the coding strand, the reverse complement: EPG5 is on the minus strand); the first of 2 consecutive A bases (chr18:45,870,574-45,870,575); deleting either gives the same sequence. VCF-style (leftmost placement, unchanged base first): chr18-45870573-GA-G. GRCh37 (hg19) VCF-style: chr18-43450538-GA-G.
Other names: c.6218del, p.Phe2073fs (NM_001410858.1); c.6215del, p.Phe2072fs (NM_001410859.1); short protein forms F2073fs, F2072fs.
Identifiers: ClinVar variation 2858021 (VCV002858021.3), dbSNP rs2511513261, ClinGen allele CA2739268678.
Genomic context (GRCh38, chr18:45,870,573, plus strand): 5'-GCTCCCTAGAAGCCAGATCTCTCTAGGCTGCGATGCCGGGAATGAAGGGCTTACTTTGAA[GA>G]AGGCCTCCATGAGCATCTGGTCAGGGTGCAGGTCCTTCCATGGCAGTTTCCGGTACGTGC-3'

ClinVar aggregate classification (germline): Pathogenic (1 of 4 stars; one submission).

Conditions:
Vici syndrome (VICIS). Identifiers: Orphanet 1493, MedGen C1855772, MONDO:0009452, OMIM 242840.

Submission:

Labcorp Genetics (formerly Invitae), Labcorp
Classification: Pathogenic for Vici syndrome. Last evaluated: 2023-04-20. Review status: criteria provided, single submitter. Criteria: Invitae Variant Classification Sherloc (09022015). Collection method: clinical testing. Allele origin: germline.
Comment: This variant has not been reported in the literature in individuals affected with EPG5-related conditions. This variant is not present in population databases (gnomAD no frequency). This sequence change creates a premature translational stop signal (p.Phe2073Serfs*44) in the EPG5 gene. It is expected to result in an absent or disrupted protein product. Loss-of-function variants in EPG5 are known to be pathogenic (PMID: 23222957, 23674064). For these reasons, this variant has been classified as Pathogenic.

Literature cited by the submitters: PubMed 23222957; PubMed 23674064.